The following is an entry in ClinVar:

ClinVar aggregate classification (germline): Uncertain significance. Review status: criteria provided, multiple submitters, no conflicts (2 of 4 stars). 2 submissions from 2 submitters: Uncertain significance (2). Last evaluated 2025-01-21.

Conditions:
Gastrointestinal stromal tumor. Also called: Gastrointestinal stromal tumor, somatic; Gastrointestinal stroma tumor. Identifiers: Orphanet 44890, MedGen C0238198, MeSH D046152, MONDO:0011719, OMIM 606764, HP:0100723.
Hereditary cancer-predisposing syndrome. Also called: Tumor predisposition; Neoplastic Syndromes, Hereditary; Hereditary Cancer Syndrome; Hereditary neoplastic syndrome. Identifiers: Orphanet 140162, MedGen C0027672, MeSH D009386, MONDO:0015356.

gnomAD v4.1: 2 of 1,613,992 alleles (0.00012%); highest among the groups gnomAD compares: Admixed American, 0.0033%; no homozygotes.

Submissions (2):

Labcorp Genetics (formerly Invitae), Labcorp
Classification: Uncertain significance for Gastrointestinal stromal tumor. Last evaluated: 2025-01-21. Review status: criteria provided, single submitter. Criteria: Invitae Variant Classification Sherloc (09022015). Collection method: clinical testing. Allele origin: germline.
Comment: This sequence change replaces histidine, which is basic and polar, with leucine, which is neutral and non-polar, at codon 425 of the PDGFRA protein (p.His425Leu). This variant is present in population databases (no rsID available, gnomAD 0.003%). This variant has not been reported in the literature in individuals affected with PDGFRA-related conditions. ClinVar contains an entry for this variant (Variation ID: 1509076). Invitae Evidence Modeling of protein sequence and biophysical properties (such as structural, functional, and spatial information, amino acid conservation, physicochemical variation, residue mobility, and thermodynamic stability) indicates that this missense variant is not expected to disrupt PDGFRA protein function with a negative predictive value of 80%. In summary, the available evidence is currently insufficient to determine the role of this variant in disease. Therefore, it has been classified as a Variant of Uncertain Significance.

Ambry Genetics
Classification: Uncertain significance for Hereditary cancer-predisposing syndrome. Last evaluated: 2024-12-06. Review status: criteria provided, single submitter. Criteria: Ambry Variant Classification Scheme 2023. Collection method: clinical testing. Allele origin: germline.
Comment: The p.H425L variant (also known as c.1274A>T), located in coding exon 8 of the PDGFRA gene, results from an A to T substitution at nucleotide position 1274. The histidine at codon 425 is replaced by leucine, an amino acid with similar properties. This amino acid position is conserved. In addition, the in silico prediction for this alteration is inconclusive. Since supporting evidence is limited at this time, the clinical significance of this alteration remains unclear.

NM_006206.6(PDGFRA):c.1274A>T (p.His425Leu)

Gene: PDGFRA (platelet derived growth factor receptor alpha; plus strand). Cytogenetic location: 4q12.
Variant type: single nucleotide variant.
Coding change: c.1274A>T on transcript NM_006206.6 (MANE Select); coding-DNA position 1274, A replaced by T.
Protein change: p.His425Leu; replaces histidine 425 with leucine.
Molecular consequence: missense variant.
Genome position (GRCh38, 1-based): chr4:54,272,430, A>T. VCF-style: chr4-54272430-A-T. GRCh37 (hg19) VCF-style: chr4-55138597-A-T.
Other names: c.1274A>T, p.His425Leu (NM_001347827.2, NM_001347829.2); c.1349A>T, p.His450Leu (NM_001347828.2); c.1313A>T, p.His438Leu (NM_001347830.2); short protein forms H425L, H438L, H450L.
Identifiers: ClinVar variation 1509076 (VCV001509076.9), dbSNP rs769631321, ClinGen allele CA356892213.